The following is an entry in ClinVar:

NM_022124.6(CDH23):c.5627G>A (p.Ser1876Asn)

Gene: CDH23 (cadherin related 23; plus strand). Cytogenetic location: 10q22.1.
Variant type: single nucleotide variant.
Coding change: c.5627G>A on transcript NM_022124.6 (MANE Select); coding-DNA position 5627, G replaced by A.
Protein change: p.Ser1876Asn; replaces serine 1876 with asparagine.
Molecular consequence: missense variant.
Genome position (GRCh38, 1-based): chr10:71,785,015, G>A. VCF-style: chr10-71785015-G-A. GRCh37 (hg19) VCF-style: chr10-73544772-G-A.
Other names: short protein forms S1876N.
Identifiers: ClinVar variation 879546 (VCV000879546.8), dbSNP rs983665281, ClinGen allele CA209457528.

ClinVar aggregate classification (germline): Uncertain significance. Review status: criteria provided, multiple submitters, no conflicts (2 of 4 stars). 3 submissions from 2 submitters: Uncertain significance (3). Last evaluated 2022-03-10.

Conditions:
Autosomal recessive nonsyndromic hearing loss 12. Also called: DEAFNESS, AUTOSOMAL RECESSIVE 12. Identifiers: Orphanet 90636, MedGen C1832394, MONDO:0011067, OMIM 601386.
Usher syndrome type 1D (USH1D). Also called: USHER SYNDROME, TYPE ID. Identifiers: Orphanet 231169, Orphanet 886, MedGen C1832845, MONDO:0010984, OMIM 601067.

Allele frequency attached by ClinVar (database versions not stated): gnomAD exomes below 0.00001 and 0.00009; TOPMed below 0.00001; gnomAD 0.00001.
gnomAD v4.1: 54 of 1,613,960 alleles (0.0033%); highest among the groups gnomAD compares: East Asian, 0.12%; no homozygotes.

Submissions (3):

Labcorp Genetics (formerly Invitae), Labcorp
Classification: Uncertain significance. Last evaluated: 2022-03-10. Review status: criteria provided, single submitter. Criteria: Invitae Variant Classification Sherloc (09022015). Collection method: clinical testing. Allele origin: germline.
Comment: This sequence change replaces serine, which is neutral and polar, with asparagine, which is neutral and polar, at codon 1876 of the CDH23 protein (p.Ser1876Asn). This variant is present in population databases (no rsID available, gnomAD no frequency). This missense change has been observed in individual(s) with deafness (PMID: 17850630, 22899989, 25587757). ClinVar contains an entry for this variant (Variation ID: 879546). Algorithms developed to predict the effect of missense changes on protein structure and function are either unavailable or do not agree on the potential impact of this missense change (SIFT: "Deleterious"; PolyPhen-2: "Not Available"; Align-GVGD: "Class C0"). In summary, the available evidence is currently insufficient to determine the role of this variant in disease. Therefore, it has been classified as a Variant of Uncertain Significance.

Illumina Laboratory Services, Illumina
Classification: Uncertain significance for Usher syndrome type 1D. Last evaluated: 2017-04-27. Review status: criteria provided, single submitter. Criteria: ICSL Variant Classification Criteria 13 December 2019. Collection method: clinical testing. Allele origin: germline.

Illumina Laboratory Services, Illumina
Classification: Uncertain significance for Autosomal recessive nonsyndromic hearing loss 12. Last evaluated: 2017-04-27. Review status: criteria provided, single submitter. Criteria: ICSL Variant Classification Criteria 13 December 2019. Collection method: clinical testing. Allele origin: germline.
Comment: This variant was observed as part of a predisposition screen in an ostensibly healthy population. A literature search was performed for the gene, cDNA change, and amino acid change (where applicable). Publications were found based on this search. However, the evidence from the literature, in combination with allele frequency data from public databases where available, was not sufficient to rule this variant in or out of causing disease. Therefore, this variant is classified as a variant of unknown significance.

Literature cited by the submitters: PubMed 17850630 (cited by Labcorp Genetics (formerly Invitae), Labcorp and Illumina Laboratory Services, Illumina); PubMed 22899989 (cited by Labcorp Genetics (formerly Invitae), Labcorp and Illumina Laboratory Services, Illumina); PubMed 25587757 (cited by Labcorp Genetics (formerly Invitae), Labcorp and Illumina Laboratory Services, Illumina).